The following is an entry in ClinVar:

ClinVar aggregate classification (germline): Uncertain significance. Review status: criteria provided, multiple submitters, no conflicts (2 of 4 stars). 2 submissions from 2 submitters: Uncertain significance (2). Last evaluated 2022-06-19.

Conditions:
Maturity-onset diabetes of the young type 3. Also called: MODY type 3; MODY, type III. Identifiers: Orphanet 552, MedGen C1838100, MeSH C563933, MONDO:0010894, OMIM 600496. Disease mechanism: loss of function.

Allele frequency attached by ClinVar (database versions not stated): gnomAD exomes 0.00001 and 0.00002.
gnomAD v4.1: 33 of 1,610,912 alleles (0.002%); highest among the groups gnomAD compares: Non-Finnish European, 0.0027%; no homozygotes.

Submissions (2):

Labcorp Genetics (formerly Invitae), Labcorp
Classification: Uncertain significance. Last evaluated: 2022-06-19. Review status: criteria provided, single submitter. Criteria: Invitae Variant Classification Sherloc (09022015). Collection method: clinical testing. Allele origin: germline.
Comment: In summary, the available evidence is currently insufficient to determine the role of this variant in disease. Therefore, it has been classified as a Variant of Uncertain Significance. Advanced modeling of protein sequence and biophysical properties (such as structural, functional, and spatial information, amino acid conservation, physicochemical variation, residue mobility, and thermodynamic stability) performed at Invitae indicates that this missense variant is expected to disrupt HNF1A protein function. ClinVar contains an entry for this variant (Variation ID: 972781). This missense change has been observed in individual(s) with diabetes (PMID: 10027593, 17573900). The frequency data for this variant in the population databases is considered unreliable, as metrics indicate poor data quality at this position in the gnomAD database. This sequence change replaces serine, which is neutral and polar, with arginine, which is basic and polar, at codon 498 of the HNF1A protein (p.Ser498Arg).

Broad Center for Mendelian Genomics, Broad Institute of MIT and Harvard
Classification: Uncertain significance for Maturity-onset diabetes of the young type 3. Last evaluated: 2020-01-22. Review status: criteria provided, single submitter. Criteria: ACMG Guidelines, 2015. Collection method: curation. Allele origin: germline. Inheritance: Autosomal dominant inheritance.
Comment: The p.Ser498Arg variant in HNF1A has not been previously reported in individuals with MODY and has been identified in 0.006% (2/33864) of Latino chromosomes and 0.0009% (1/108942) of European (non-Finnish) chromosomes by the Genome Aggregation Database (gnomAD; dbSNP rs138145827). Please note that for diseases with clinical variability, or reduced penetrance, pathogenic variants may be present at a low frequency in the general population. Computational prediction tools and conservation analyses do not provide strong support for or against an impact to the protein. In summary, while there is some suspicion for a pathogenic role, the clinical significance of this variant is uncertain. ACMG/AMP Criteria applied: PM2 (Richards 2015).

Literature cited by the submitters: PubMed 10027593 (cited by Labcorp Genetics (formerly Invitae), Labcorp); PubMed 17573900 (cited by Labcorp Genetics (formerly Invitae), Labcorp).

NM_000545.8(HNF1A):c.1494C>A (p.Ser498Arg)

Gene: HNF1A (HNF1 homeobox A; plus strand). Cytogenetic location: 12q24.31.
Variant type: single nucleotide variant.
Coding change: c.1494C>A on transcript NM_000545.8 (MANE Select); coding-DNA position 1494, C replaced by A.
Protein change: p.Ser498Arg; replaces serine 498 with arginine.
Molecular consequence: missense variant.
Genome position (GRCh38, 1-based): chr12:120,997,658, C>A. VCF-style: chr12-120997658-C-A. GRCh37 (hg19) VCF-style: chr12-121435461-C-A.
Other names: c.1494C>A, p.Ser498Arg (NM_001306179.2); short protein forms S498R.
Identifiers: ClinVar variation 972781 (VCV000972781.7), dbSNP rs138145827, ClinGen allele CA6832054.